The following is an entry in ClinVar:

NM_004655.4(AXIN2):c.2012G>A (p.Arg671His)

Gene: AXIN2 (axin 2; minus strand). Cytogenetic location: 17q24.1.
Variant type: single nucleotide variant.
Coding change: c.2012G>A on transcript NM_004655.4 (MANE Select); coding-DNA position 2012, G replaced by A.
Protein change: p.Arg671His; replaces arginine 671 with histidine.
Molecular consequence: missense variant.
Genome position (GRCh38, 1-based): chr17:65,536,449, C>T on the plus strand (G>A on the coding strand, the complement: AXIN2 is on the minus strand). VCF-style: chr17-65536449-C-T. GRCh37 (hg19) VCF-style: chr17-63532567-C-T.
Other names: c.1817G>A, p.Arg606His (NM_001363813.1); c.2012G>A (LRG_296t1); short protein forms R671H, R606H.
Identifiers: ClinVar variation 408790 (VCV000408790.19), dbSNP rs765845684, ClinGen allele CA8718428.
Genomic context (GRCh38, chr17:65,536,449, plus strand): 5'-GGTGGGGTCAGGGGAGGCATCGCAGGGTCCTGGGTGAACAGGTGGGCACGGGGGGTGGTG[C>T]GGGGGTGCCCGCTGTTGCCCCCCCACAGATGGTGCCGGCTGGCTCGTTCGCCTGGAGACG-3'
Protein context (NP_004646.3, residues 661-681): HLWGGNSGHP[Arg671His]TTPRAHLFTQ

ClinVar aggregate classification (germline): Uncertain significance. Review status: criteria provided, multiple submitters, no conflicts (2 of 4 stars). 4 submissions from 4 submitters: Uncertain significance (4). Last evaluated 2026-09-02.

Conditions:
Hereditary cancer-predisposing syndrome. Also called: Hereditary neoplastic syndrome; Neoplastic Syndromes, Hereditary; Hereditary Cancer Syndrome; Tumor predisposition. Identifiers: Orphanet 140162, MedGen C0027672, MeSH D009386, MONDO:0015356.
Oligodontia-cancer predisposition syndrome. Also called: TOOTH AGENESIS-COLORECTAL CANCER SYNDROME. Identifiers: Orphanet 300576, MedGen C1837750, MONDO:0012075, OMIM 608615. Disease mechanism: loss of function.

Allele frequency attached by ClinVar (database versions not stated): gnomAD exomes below 0.00001; TOPMed below 0.00001.
gnomAD v4.1: 7 of 1,607,536 alleles (0.00044%); highest among the groups gnomAD compares: East Asian, 0.0045%; no homozygotes.

Submissions (4):

GeneDx
Classification: Uncertain significance. Last evaluated: 2026-09-02. Review status: criteria provided, single submitter. Criteria: GeneDx Variant Classification Process June 2021. Collection method: clinical testing. Allele origin: germline.
Comment: Not observed at significant frequency in large population cohorts (gnomAD); In silico analysis suggests that this missense variant does not alter protein structure/function; Has not been previously published as pathogenic or benign to our knowledge; This variant is associated with the following publications: (PMID: 28481359, 15735151)

Ambry Genetics
Classification: Uncertain significance for Hereditary cancer-predisposing syndrome. Last evaluated: 2026-03-16. Review status: criteria provided, single submitter. Criteria: Ambry Variant Classification Scheme 2023. Collection method: clinical testing. Allele origin: germline.
Comment: The p.R671H variant (also known as c.2012G>A), located in coding exon 7 of the AXIN2 gene, results from a G to A substitution at nucleotide position 2012. The arginine at codon 671 is replaced by histidine, an amino acid with highly similar properties. This amino acid position is highly conserved in available vertebrate species. In addition, the in silico prediction for this alteration is inconclusive. Based on the available evidence, the clinical significance of this variant remains unclear.

Labcorp Genetics (formerly Invitae), Labcorp
Classification: Uncertain significance for Oligodontia-cancer predisposition syndrome. Last evaluated: 2026-01-31. Review status: criteria provided, single submitter. Criteria: Invitae Variant Classification Sherloc (09022015). Collection method: clinical testing. Allele origin: germline.
Comment: This sequence change replaces arginine, which is basic and polar, with histidine, which is basic and polar, at codon 671 of the AXIN2 protein (p.Arg671His). The frequency data for this variant in the population databases is considered unreliable, as metrics indicate poor data quality at this position in the gnomAD database. This variant has not been reported in the literature in individuals affected with AXIN2-related conditions. ClinVar contains an entry for this variant (Variation ID: 408790). An algorithm developed to predict the effect of missense changes on protein structure and function (PolyPhen-2) suggests that this variant is likely to be disruptive. In summary, the available evidence is currently insufficient to determine the role of this variant in disease. Therefore, it has been classified as a Variant of Uncertain Significance.

Sema4
Classification: Uncertain significance for Hereditary cancer-predisposing syndrome. Last evaluated: 2021-10-25. Review status: criteria provided, single submitter. Criteria: Sema4 Curation Guidelines. Collection method: curation. Allele origin: germline.
Comment: The AXIN2 c.2012G>A (p.R671H) variant has not been reported in the literature to our knowledge. This variant was observed in 2/34214 chromosomes in the Latino population according to the Genome Aggregation Database (PMID: 32461654). This variant has been reported in ClinVar (Variation ID: 408790). Functional studies have not been performed, and in silico predictions of the variant's effect on protein function are inconclusive. The evidence is insufficient to meet ACMG/AMP criteria for classifying the variant as benign or pathogenic. Thus, the clinical significance of this variant is currently uncertain.